The following is an entry in ClinVar:

ClinVar aggregate classification (germline): Uncertain significance (1 of 4 stars; one submission).

Submission:

Mayo Clinic Laboratories, Mayo Clinic
Classification: Uncertain significance. Last evaluated: 2025-02-19. Review status: criteria provided, single submitter. Criteria: ACMG Guidelines, 2015. Collection method: clinical testing. Allele origin: germline. Observed: 1 variant allele.
Comment: PM2_supporting

NM_000034.3:c.967G>C

Gene: ALDOA (aldolase, fructose-bisphosphate A; plus strand).
Variant type: single nucleotide variant.
Other names: p.Ala323Pro.
Identifiers: ClinVar variation 4542025 (VCV004542025.1).